The following is an entry in ClinVar:

NM_001271.4(CHD2):c.425A>G (p.Gln142Arg)

Gene: CHD2 (chromodomain helicase DNA binding protein 2; plus strand). Cytogenetic location: 15q26.1.
Variant type: single nucleotide variant.
Coding change: c.425A>G on transcript NM_001271.4 (MANE Select); coding-DNA position 425, A replaced by G.
Protein change: p.Gln142Arg; replaces glutamine 142 with arginine.
Molecular consequence: missense variant.
Genome position (GRCh38, 1-based): chr15:92,929,073, A>G. VCF-style: chr15-92929073-A-G. GRCh37 (hg19) VCF-style: chr15-93472303-A-G.
Other names: c.425A>G, p.Gln142Arg (NM_001042572.3); short protein forms Q142R.
Identifiers: ClinVar variation 3359317 (VCV003359317.1).

ClinVar aggregate classification (germline): Uncertain significance (1 of 4 stars; one submission).

gnomAD v4.1: 1 of 1,610,066 alleles (0.000062%); highest among the groups gnomAD compares: Admixed American, 0.0017%; no homozygotes.

Submission:

GeneDx
Classification: Uncertain significance. Last evaluated: 2023-06-04. Review status: criteria provided, single submitter. Criteria: GeneDx Variant Classification Process June 2021. Collection method: clinical testing. Allele origin: germline. Affected: yes.
Comment: Not observed at significant frequency in large population cohorts (gnomAD); In silico analysis supports that this missense variant does not alter protein structure/function; Has not been previously published as pathogenic or benign to our knowledge